The following is an entry in ClinVar:

ClinVar aggregate classification (germline): Uncertain significance (1 of 4 stars; one submission).

Conditions:
Mendelian susceptibility to mycobacterial diseases due to complete IL12RB1 deficiency. Also called: IL12RB1 DEFICIENCY; Immunodeficiency 30. Identifiers: Orphanet 319552, MedGen C4013949, MONDO:0013955, OMIM 614891.

Allele frequency attached by ClinVar (database versions not stated): ExAC 0.00001; gnomAD exomes 0.00001 and 0.00002; TOPMed 0.00002; gnomAD 0.00003 and 0.00004; ESP Exome Variant Server 0.00008.
gnomAD v4.1: 25 of 1,610,876 alleles (0.0016%); highest among the groups gnomAD compares: Admixed American, 0.0033%; no homozygotes.

Submission:

Labcorp Genetics (formerly Invitae), Labcorp
Classification: Uncertain significance for Mendelian susceptibility to mycobacterial diseases due to complete IL12RB1 deficiency. Last evaluated: 2022-07-26. Review status: criteria provided, single submitter. Criteria: Invitae Variant Classification Sherloc (09022015). Collection method: clinical testing. Allele origin: germline.
Comment: This sequence change replaces arginine, which is basic and polar, with tryptophan, which is neutral and slightly polar, at codon 511 of the IL12RB1 protein (p.Arg511Trp). This variant is present in population databases (rs373972439, gnomAD 0.004%). This variant has not been reported in the literature in individuals affected with IL12RB1-related conditions. ClinVar contains an entry for this variant (Variation ID: 1434813). Algorithms developed to predict the effect of missense changes on protein structure and function are either unavailable or do not agree on the potential impact of this missense change (SIFT: "Deleterious"; PolyPhen-2: "Possibly Damaging"; Align-GVGD: "Class C15"). Algorithms developed to predict the effect of sequence changes on RNA splicing suggest that this variant may disrupt the consensus splice site. In summary, the available evidence is currently insufficient to determine the role of this variant in disease. Therefore, it has been classified as a Variant of Uncertain Significance.

NM_005535.3(IL12RB1):c.1531C>T (p.Arg511Trp)

Gene: IL12RB1 (interleukin 12 receptor subunit beta 1; minus strand). Cytogenetic location: 19p13.11.
Variant type: single nucleotide variant.
Coding change: c.1531C>T on transcript NM_005535.3 (MANE Select); coding-DNA position 1531, C replaced by T.
Protein change: p.Arg511Trp; replaces arginine 511 with tryptophan.
Molecular consequence: missense variant.
Genome position (GRCh38, 1-based): chr19:18,063,963, G>A on the plus strand (C>T on the coding strand, the complement: IL12RB1 is on the minus strand). VCF-style: chr19-18063963-G-A. GRCh37 (hg19) VCF-style: chr19-18174773-G-A.
Other names: c.1531C>T, p.Arg511Trp (NM_001290023.2); c.1651C>T, p.Arg551Trp (NM_001290024.2); short protein forms R511W, R551W.
Identifiers: ClinVar variation 1434813 (VCV001434813.5), dbSNP rs373972439, ClinGen allele CA9304799.